The following is an entry in ClinVar:

ClinVar aggregate classification (germline): Uncertain significance (1 of 4 stars; one submission).

Conditions:
Left ventricular noncompaction 1 (LVNC1). Also called: LEFT VENTRICULAR NONCOMPACTION 1 WITH OR WITHOUT CONGENITAL HEART DEFECTS. Identifiers: Orphanet 54260, MedGen C1858725, MONDO:0011403, OMIM 604169.

Submission:

Labcorp Genetics (formerly Invitae), Labcorp
Classification: Uncertain significance for Left ventricular noncompaction 1. Last evaluated: 2025-02-26. Review status: criteria provided, single submitter. Criteria: Invitae Variant Classification Sherloc (09022015). Collection method: clinical testing. Allele origin: germline.
Comment: This sequence change replaces lysine, which is basic and polar, with glutamine, which is neutral and polar, at codon 388 of the DTNA protein (p.Lys388Gln). This variant is not present in population databases (gnomAD no frequency). This variant has not been reported in the literature in individuals affected with DTNA-related conditions. An algorithm developed to predict the effect of missense changes on protein structure and function (PolyPhen-2) suggests that this variant is likely to be tolerated. In summary, the available evidence is currently insufficient to determine the role of this variant in disease. Therefore, it has been classified as a Variant of Uncertain Significance.

NM_001386795.1(DTNA):c.1243A>C (p.Lys415Gln)

Gene: DTNA (dystrobrevin alpha; plus strand). Cytogenetic location: 18q12.1.
Variant type: single nucleotide variant.
Coding change: c.1243A>C on transcript NM_001386795.1 (MANE Select); coding-DNA position 1243, A replaced by C.
Protein change: p.Lys415Gln; replaces lysine 415 with glutamine.
Molecular consequence: missense variant. On other transcripts: intron variant (32).
Genome position (GRCh38, 1-based): chr18:34,838,161, A>C. VCF-style: chr18-34838161-A-C. GRCh37 (hg19) VCF-style: chr18-32418125-A-C.
Other names: c.289A>C, p.Lys97Gln (NM_001198942.1); c.1243A>C, p.Lys415Gln (NM_001386788.1); c.1162A>C, p.Lys388Gln (NM_001390.5, NM_001391.5); c.1153A>C, p.Lys385Gln (NM_032978.7); c.199A>C, p.Lys67Gln (NM_032980.4); c.1095-10135A>C (NM_032975.4, NM_001386761.1, NM_001386762.1 and 1 more transcripts); c.1175+8672A>C (NM_001386754.1, NM_001386755.1, NM_001386760.1 and 5 more transcripts); c.1086-10135A>C (NM_001386763.1, NM_001386764.1, NM_001386768.1 and 13 more transcripts); and 4 more; short protein forms K67Q, K415Q, K385Q, K388Q, K97Q.
Identifiers: ClinVar variation 4766170 (VCV004766170.1).